The following is an entry in ClinVar:

NM_053025.4(MYLK):c.1517-2A>G

Gene: MYLK (myosin light chain kinase; minus strand). Cytogenetic location: 3q21.1.
Variant type: single nucleotide variant.
Coding change: c.1517-2A>G on transcript NM_053025.4 (MANE Select); the canonical splice acceptor site of the intron before coding-DNA position 1517, A replaced by G.
Molecular consequence: splice acceptor variant.
Genome position (GRCh38, 1-based): chr3:123,726,080, T>C on the plus strand (A>G on the coding strand, the complement: MYLK is on the minus strand). VCF-style: chr3-123726080-T-C. GRCh37 (hg19) VCF-style: chr3-123444927-T-C.
Other names: c.989-2A>G (NM_001321309.2); c.1310-2A>G (NM_053028.4, NM_053026.4); c.1517-2A>G (NM_053027.4).
Identifiers: ClinVar variation 1315715 (VCV001315715.3), dbSNP rs770709606, ClinGen allele CA067180.

ClinVar aggregate classification (germline): Conflicting classifications of pathogenicity. Review status: criteria provided, conflicting classifications (1 of 4 stars). 2 submissions from 2 submitters: Likely pathogenic (1); Uncertain significance (1). Last evaluated 2022-01-06.

Allele frequency attached by ClinVar (database versions not stated): gnomAD exomes 0.00001; TOPMed 0.00001; ExAC 0.00002; gnomAD 0.00002.
gnomAD v4.1: 24 of 1,613,996 alleles (0.0015%); highest among the groups gnomAD compares: Non-Finnish European, 0.002%; no homozygotes.

Submissions (2):

AiLife Diagnostics
Classification: Likely pathogenic. Last evaluated: 2022-01-06. Review status: criteria provided, single submitter. Criteria: ACMG Guidelines, 2015. Collection method: clinical testing. Allele origin: germline. Affected: yes. Observed: 1 variant allele.

GeneDx
Classification: Uncertain significance. Last evaluated: 2019-04-22. Review status: criteria provided, single submitter. Criteria: GeneDx Variant Classification Process June 2021. Collection method: clinical testing. Allele origin: germline. Affected: yes.
Comment: Has not been previously published as pathogenic or benign to our knowledge; Not observed at a significant frequency in large population cohorts (Lek et al., 2016); Canonical splice site variant expected to result in aberrant splicing, though splice outcome is unknown; Few splice site variants in MYLK have been reported in HGMD in association with MYLK-related disorders; the majority of reported variants are missense variants (Stenson et al., 2014)